The following is an entry in ClinVar:

ClinVar aggregate classification (germline): Benign/Likely benign. Review status: criteria provided, multiple submitters, no conflicts (2 of 4 stars). 3 submissions from 3 submitters: Benign (1); Likely benign (2). Last evaluated 2025-06-19.

Conditions:
Hereditary cancer-predisposing syndrome. Also called: Neoplastic Syndromes, Hereditary; Tumor predisposition; Hereditary Cancer Syndrome; Hereditary neoplastic syndrome. Identifiers: Orphanet 140162, MedGen C0027672, MeSH D009386, MONDO:0015356.
Ataxia-telangiectasia syndrome (AT). Also called: Ataxia telangiectasia (A-T); ATAXIA-TELANGIECTASIA, COMPLEMENTATION GROUP A; ATAXIA-TELANGIECTASIA, FRESNO VARIANT; Ataxia-telangiectasia; Ataxia-telangiectasia, complementation group E; LOUIS-BAR SYNDROME. Identifiers: Orphanet 100, MedGen C0004135, MONDO:0008840, OMIM 208900.
Familial cancer of breast. Also called: Hereditary breast cancer; hereditary breast carcinoma; BREAST CANCER, FAMILIAL. Identifiers: Orphanet 227535, MedGen C0346153, MONDO:0016419, OMIM 114480. Disease mechanism: loss of function.

Submissions (3):

Ambry Genetics
Classification: Likely benign for Hereditary cancer-predisposing syndrome. Last evaluated: 2025-06-19. Review status: criteria provided, single submitter. Criteria: Ambry Variant Classification Scheme 2023. Collection method: clinical testing. Allele origin: germline.

Myriad Genetics, Inc.
Classification: Benign for Familial cancer of breast. Last evaluated: 2024-06-05. Review status: criteria provided, single submitter. Criteria: Myriad Autosomal Dominant, Autosomal Recessive and X-Linked Classification Criteria (2023). Collection method: clinical testing. Allele origin: unknown.
Comment: This variant is considered benign. This variant is a silent/synonymous amino acid change and it is not expected to impact splicing.

Labcorp Genetics (formerly Invitae), Labcorp
Classification: Likely benign for Ataxia-telangiectasia syndrome. Last evaluated: 2023-07-25. Review status: criteria provided, single submitter. Criteria: Invitae Variant Classification Sherloc (09022015). Collection method: clinical testing. Allele origin: germline.

NM_000051.4(ATM):c.6276T>C (p.Cys2092=)

Genes: ATM (ATM serine/threonine kinase; plus strand), C11orf65 (chromosome 11 open reading frame 65; minus strand). Cytogenetic location: 11q22.3.
Variant type: single nucleotide variant.
Coding change: c.6276T>C on transcript NM_000051.4 (MANE Select); coding-DNA position 6276, T replaced by C.
Protein change: p.Cys2092=; no amino-acid change (cysteine 2092 retained).
Molecular consequence: synonymous variant. On other transcripts: intron variant (2).
Genome position (GRCh38, 1-based): chr11:108,317,450, T>C. VCF-style: chr11-108317450-T-C. GRCh37 (hg19) VCF-style: chr11-108188177-T-C.
Other names: c.6276T>C, p.Cys2092= (NM_001351834.2); c.641-8379A>G (NM_001330368.2); c.*39-8379A>G (NM_001351110.2).
Identifiers: ClinVar variation 1078981 (VCV001078981.11), dbSNP rs2136166722, ClinGen allele CA476675988.